The following continues an entry in ClinVar:

NM_000059.4(BRCA2):c.7007G>T (p.Arg2336Leu)

Gene: BRCA2. ClinVar aggregate classification (germline): Pathogenic/Likely pathogenic. Pathogenic (1); Likely pathogenic (7).

Submissions 6 to 11 of 11:

Color Diagnostics, LLC DBA Color Health
Classification: Likely pathogenic for Hereditary cancer-predisposing syndrome. Last evaluated: 2023-08-23. Review status: criteria provided, single submitter. Criteria: ACMG Guidelines, 2015. Collection method: clinical testing. Allele origin: germline.
Comment: This missense variant replaces arginine with leucine at codon 2336 of the BRCA2 protein. Computational prediction suggests that this variant may not impact protein structure and function (internally defined REVEL score threshold <= 0.5, PMID: 27666373). This variant also changes the last nucleotide of exon 13 of the BRCA2 gene and splice site prediction tools suggest that this variant may have a significant impact on RNA splicing. Although this prediction has not been confirmed in published RNA studies for this variant, different variants affecting the same splice donor site (c.7007G>A, c.7007G>C) have been shown to produce aberrant RNA transcripts and are considered to be disease-causing (ClinVar variation ID: 38077, 52241). It suggests that the reference sequence at this splice site is important for normal RNA splicing. This variant has been reported in individuals with personal and/or family history of breast and/or ovarian cancer (PMID: 22970155, 27157322, 28993434, 30078507, 31742824, 31782247, 35886069, Color internal data) and non-small cell lung cancer (PMID: 31565484). This variant has not been identified in the general population by the Genome Aggregation Database (gnomAD). Based on the available evidence, this variant is classified as Likely Pathogenic.

Human Genome Sequencing Center Clinical Lab, Baylor College of Medicine
Classification: Likely pathogenic for Familial breast-ovarian cancer 2. Last evaluated: 2018-10-05. Review status: criteria provided, single submitter. Criteria: ACMG Guidelines, 2015. Collection method: clinical testing. Allele origin: germline.
Comment: This c.7007G>T (p.Arg2336Leu) variant in exon 13 of the BRCA2 gene is the last base of exon 13 and is predicted to alter splicing resulting in a frame shift. This variant has been reported in patients with breast cancer (PMID: 22970155) and is not observed in general population databases. Other nucleotide base substitutions at this same site have also been observed to alter splicing and are considered pathogenic (PMID: 18489799, 9150172). Therefore, the c.7007G>T (p.Arg2336Leu) variant in the BRCA2 gene is classified as likely pathogenic.

Consortium of Investigators of Modifiers of BRCA1/2 (CIMBA), c/o University of Cambridge
Classification: Pathogenic for Breast-ovarian cancer, familial, susceptibility to, 2. Last evaluated: 2015-10-02. Review status: criteria provided, single submitter. Criteria: CIMBA Mutation Classification guidelines May 2016. Collection method: clinical testing. Allele origin: germline.

Research Molecular Genetics Laboratory, Women's College Hospital, University of Toronto
Classification: Pathogenic for Hereditary breast ovarian cancer syndrome. Last evaluated: 2014-01-31. Review status: no assertion criteria provided. Collection method: research. Allele origin: germline. Affected: yes. Study: The Canadian Open Genetics Repository (COGR). Not counted in ClinVar's aggregate classification.

Breast Cancer Information Core (BIC) (BRCA2)
Classification: Pathogenic for Breast-ovarian cancer, familial 2. Last evaluated: 2013-02-20. Review status: no assertion criteria provided. Collection method: clinical testing. Allele origin: germline, somatic. Affected: yes. Observed: 2 variant alleles. Not counted in ClinVar's aggregate classification.

Department of Pathology and Laboratory Medicine, Sinai Health System
Classification: Likely pathogenic. Review status: no assertion criteria provided. Collection method: clinical testing. Allele origin: unknown. Affected: yes. Study: The Canadian Open Genetics Repository (COGR). Not counted in ClinVar's aggregate classification.
Comment: The BRCA2 p.Arg2336Leu variant was identified in 4 of 2798 proband chromosomes (frequency: 0.001) from individuals or families with breast or ovarian cancer (Kwong 2012, Kwong 2016). The variant was also identified in dbSNP (ID: rs28897743) as â€šÃ„ÃºWith Pathogenic allele ", in ClinVar (classified as likely pathogenic by Invitae, Ambry Genetics, Color Genomics; as pathogenic by CIMBA, COGR, BIC), MutDB, LOVD 3.0 (1x as pathogenic), BIC Database (2x with clinical importance), and in ARUP Laboratories (as Definitely pathogenic). The variant was not identified in GeneInsight-COGR, Cosmic, UMD-LSDB, and Zhejiang University Database. The variant was not identified in the following control databases: the 1000 Genomes Project, the NHLBI GO Exome Sequencing Project, the Exome Aggregation Consortium (August 8th 2016), or the Genome Aggregation Database (Feb 27, 2017). In UMD, 2 alternate substitutions at this same nucleotide position (c.7007G>A, p.Arg2336His and c.7007G>C, p.Arg2336Pro) have been classified as causal, with evidence showing the G>A substitution causes a 70 bp deletion in exon 13 resulting in a frameshift that introduces a premature stop codon 30 codons into exon 14. Lymphocyte RT-PCR analysis showed the alternate variant c.7007G>A caused exon 13 skipping, in agreement with bionformatic studies which conclude a weakening and disruption of the splice site (Sanz 2010). A bioinformatic tool applying information theory to analyze splicing variants found the natural donor site was weakened for an alternate substitution variant (c.7007G>A), concordant with other splicing models/testing (Mucaki 2010). The p.Arg2336 residue is not conserved in mammals and computational analyses (PolyPhen-2, SIFT, AlignGVGD, BLOSUM, MutationTaster) provide inconsistent predictions regarding the impact to the protein; this information is not very predictive of pathogenicity. The p.Arg2336Leu variant occurs in the last three bases of the exon. This position has been shown to be part of the splicing consensus sequence and variants involving this position sometimes affect splicing. In addition in silico or computational prediction software programs (SpliceSiteFinder, MaxEntScan, NNSPLICE, GeneSplicer, HumanSpliceFinder) predict a greater than 10% difference in splicing. In summary, based on the above information the clinical significance of this variant cannot be determined with certainty at this time although we would lean towards a more pathogenic role for this variant. This variant is classified as likely pathogenic.

Literature cited by the submitters: PubMed 22970155 (cited by 5 submitters); PubMed 27157322 (cited by 4 submitters); PubMed 29446198 (cited by Labcorp Genetics (formerly Invitae), Labcorp and Quest Diagnostics Nichols Institute San Juan Capistrano); PubMed 31742824 (cited by 3 submitters); PubMed 31825140 (cited by 3 submitters); PubMed 17576681 (cited by Labcorp Genetics (formerly Invitae), Labcorp); PubMed 9536098 (cited by Labcorp Genetics (formerly Invitae), Labcorp); PubMed 9150172 (cited by Labcorp Genetics (formerly Invitae), Labcorp); PubMed 21719596 (cited by Labcorp Genetics (formerly Invitae), Labcorp); PubMed 25447315 (cited by Labcorp Genetics (formerly Invitae), Labcorp); PubMed 31782247 (cited by 4 submitters); PubMed 33293522 (cited by Ambry Genetics); PubMed 37713444 (cited by Ambry Genetics and Quest Diagnostics Nichols Institute San Juan Capistrano); PubMed 30702160 (cited by Quest Diagnostics Nichols Institute San Juan Capistrano); PubMed 31565484 (cited by 3 submitters); PubMed 30078507 (cited by 3 submitters); PubMed 28724667 (cited by Quest Diagnostics Nichols Institute San Juan Capistrano); PubMed 28993434 (cited by 3 submitters); PubMed 35886069 (cited by 3 submitters).